The following is an entry in ClinVar:

ClinVar aggregate classification (germline): Conflicting classifications of pathogenicity. Review status: criteria provided, conflicting classifications (1 of 4 stars). 7 submissions from 7 submitters: Pathogenic (1); Likely pathogenic (1); Uncertain significance (3). 2 of the submissions do not count toward it. Last evaluated 2024-09-28.

Conditions:
Joubert syndrome. Also called: Familial aplasia of the vermis; JOUBERT-BOLTSHAUSER SYNDROME. Identifiers: Orphanet 475, MedGen C5979921, MONDO:0018772.
ARMC9-related disorder. Also called: ARMC9-related condition.
Joubert syndrome 30. Identifiers: MedGen C4539937, MONDO:0033308, OMIM 617622.
ARMC9-related Joubert syndrome.

Allele frequency attached by ClinVar (database versions not stated): gnomAD exomes below 0.00001; gnomAD 0.00001.
gnomAD v4.1: 5 of 1,612,206 alleles (0.00031%); highest among the groups gnomAD compares: Middle Eastern, 0.017%; no homozygotes.

Submissions (7):

3billion
Classification: Uncertain significance for Joubert syndrome 30. Last evaluated: 2024-09-28. Review status: criteria provided, single submitter. Criteria: ACMG Guidelines, 2015. Collection method: clinical testing. Allele origin: germline. Affected: yes.
Comment: The variant is observed at an extremely low frequency in the gnomAD v4.1.0 dataset (total allele frequency: <0.001%). Predicted Consequence/Location: Intron variant In silico tools predict the variant to alter splicing and produce an abnormal transcript [SpliceAI: 0.86 (>=0.2, moderate evidence for spliceogenicity)]. The variant has been reported to be associated with ARMC9 related disorder (ClinVar ID: VCV000427931 /PMID: 28625504). However, the evidence of pathogenicity is insufficient at this time. Therefore, this variant is classified as VUS according to the recommendation of ACMG/AMP guideline.

Genomic Medicine Center of Excellence, King Faisal Specialist Hospital and Research Centre
Classification: Uncertain significance for Joubert syndrome 30. Last evaluated: 2024-03-25. Review status: criteria provided, single submitter. Criteria: ACMG Guidelines, 2015. Collection method: clinical testing. Allele origin: germline.

Broad Center for Mendelian Genomics, Broad Institute of MIT and Harvard
Classification: Uncertain significance for Joubert syndrome 30. Last evaluated: 2022-05-04. Review status: criteria provided, single submitter. Criteria: ACMG Guidelines, 2015. Collection method: curation. Allele origin: germline. Inheritance: Autosomal recessive inheritance.
Comment: The heterozygous c.51+5G>T variant in ARMC9 was identified by our study in the compound heterozygous state, along with another variant of unknown significance, in 2 siblings with Joubert syndrome 30. This variant has been reported in ClinVar (Variation ID: 427931) as pathogenic by UW Hindbrain Malformation Research Program, University of Washington, and as likely pathogenic by University of Washington Center for Mendelian Genomics, University of Washington. Computational prediction tools and conservation analyses do not provide strong support for or against an impact to the protein. The presence of this variant in 1 affected homozygote, and in 1 individual with Joubert syndrome 30 increases the likelihood that the c.51+5G>T variant is pathogenic (PMID: 28625504). In summary, while there is some suspicion for a pathogenic role, the clinical significance of this variant is uncertain. ACMG/AMP Criteria applied: PM2, PM3_supporting (Richards 2015).

Breakthrough Genomics
Classification: Likely pathogenic for Joubert syndrome 30. Last evaluated: 2020-09-24. Review status: criteria provided, single submitter. Criteria: ACMG Guidelines, 2015. Collection method: clinical testing. Allele origin: germline. Affected: yes.
Comment: This variant lies in the essential splice donor site, in intron 2 of the ARMC9 gene. In-silico splice prediction tools (ASSP and NNSPLICE) suggest that this variant might affect splicing due to reduction in the score of the predicted constitutive splice site. The variant was previously reported in an individual with ARMC9-related Joubert syndrome in homozygous state and predicted as deleterious in the article [28625504].

Blueprint Genetics
Classification: Pathogenic for ARMC9-related disorders. Last evaluated: 2020-01-22. Review status: criteria provided, single submitter. Criteria: ACMG Guidelines, 2015. Collection method: clinical testing. Allele origin: germline. Affected: yes. Observed: 3 variant alleles.

UW Hindbrain Malformation Research Program, University of Washington
Classification: Pathogenic for ARMC9-related Joubert syndrome. Last evaluated: 2017-05-01. Review status: no assertion criteria provided. Collection method: research. Allele origin: unknown. Affected: yes. Not counted in ClinVar's aggregate classification.

University of Washington Center for Mendelian Genomics, University of Washington
Classification: Likely pathogenic for Joubert Syndrome. Review status: no assertion criteria provided. Collection method: research. Allele origin: unknown. Affected: yes. Not counted in ClinVar's aggregate classification.

Literature cited by the submitters: PubMed 28625504 (cited by 3billion and University of Washington Center for Mendelian Genomics, University of Washington).

NM_001352754.2(ARMC9):c.51+5G>T

Gene: ARMC9 (armadillo repeat containing 9; plus strand). Cytogenetic location: 2q37.1.
Variant type: single nucleotide variant.
Coding change: c.51+5G>T on transcript NM_001352754.2 (MANE Select); 5 bases into the intron after coding-DNA position 51, G replaced by T.
Molecular consequence: intron variant.
Genome position (GRCh38, 1-based): chr2:231,206,294, G>T. VCF-style: chr2-231206294-G-T. GRCh37 (hg19) VCF-style: chr2-232071007-G-T.
Other names: NM_025139.6(ARMC9):c.51+5G>T; c.51+5G>T (NM_001271466.4, NM_001352755.2, NM_001352756.2 and 6 more transcripts).
Identifiers: ClinVar variation 427931 (VCV000427931.8), dbSNP rs1114167447, ClinGen allele CA431718687.
Genomic context (GRCh38, chr2:231,206,294, plus strand): 5'-TCAATATGGGGGACATTCTGGCTCATGAATCTGAATTACTTGGACTAGTGAAAGAGGTAG[G>T]TATATTATACAAAGCAGAGGTCACAGAGAAACAGATCTTGAAAACTTGTGTTTTAAAATG-3'